The following is an entry in ClinVar:

ClinVar aggregate classification (germline): Conflicting classifications of pathogenicity. Review status: criteria provided, conflicting classifications (1 of 4 stars). 4 submissions from 4 submitters: Likely pathogenic (1); Uncertain significance (3). Last evaluated 2024-06-14.

Conditions:
Pyruvate kinase hyperactivity. Identifiers: MedGen C1863224, MONDO:0007067, OMIM 102900.
Pyruvate kinase deficiency of red cells (CNSHA2). Also called: Pyruvate kinase deficiency, Amish type; PK DEFICIENCY; PYRUVATE KINASE DEFICIENCY OF ERYTHROCYTE. Identifiers: Orphanet 766, MedGen C0340968, MONDO:0009950, OMIM 266200.

Allele frequency attached by ClinVar (database versions not stated): TOPMed 0.00006; gnomAD exomes 0.00013; ExAC 0.00015; 1000 Genomes Project 30x 0.00016; 1000 Genomes Project 0.00020.
gnomAD v4.1: 146 of 1,613,660 alleles (0.009%); highest among the groups gnomAD compares: East Asian, 0.28%; 2 homozygotes.

Submissions (4):

Revvity Omics, Revvity
Classification: Uncertain significance. Last evaluated: 2024-06-14. Review status: criteria provided, single submitter. Criteria: ACMG Guidelines, 2015. Collection method: clinical testing. Allele origin: germline.

Labcorp Genetics (formerly Invitae), Labcorp
Classification: Uncertain significance. Last evaluated: 2022-08-30. Review status: criteria provided, single submitter. Criteria: Invitae Variant Classification Sherloc (09022015). Collection method: clinical testing. Allele origin: germline.
Comment: ClinVar contains an entry for this variant (Variation ID: 292806). Algorithms developed to predict the effect of missense changes on protein structure and function are either unavailable or do not agree on the potential impact of this missense change (SIFT: "Deleterious"; PolyPhen-2: "Probably Damaging"; Align-GVGD: "Class C0"). In summary, the available evidence is currently insufficient to determine the role of this variant in disease. Therefore, it has been classified as a Variant of Uncertain Significance. This missense change has been observed in individuals with pyruvate kinase deficiency (PMID: 7702630; Invitae). This variant is present in population databases (rs200133000, gnomAD 0.1%). This sequence change replaces arginine, which is basic and polar, with tryptophan, which is neutral and slightly polar, at codon 490 of the PKLR protein (p.Arg490Trp).

ARUP Laboratories, Molecular Genetics and Genomics, ARUP Laboratories
Classification: Uncertain significance. Last evaluated: 2022-01-26. Review status: criteria provided, single submitter. Criteria: ARUP Molecular Germline Variant Investigation Process 2021. Collection method: clinical testing. Allele origin: germline.

Juno Genomics, Hangzhou Juno Genomics, Inc
Classification: Likely pathogenic for Pyruvate kinase hyperactivity; Pyruvate kinase deficiency of red cells. Review status: criteria provided, single submitter. Criteria: ACMG Guidelines, 2015. Collection method: clinical testing. Allele origin: germline.
Comment: Absent from controls (or at extremely low frequency if recessive) in Genome Aggregation Database.;Multiple lines of computational evidence support a deleterious effect on the gene or gene product.;For recessive disorders, detected in trans with a pathogenic variant.;Patient's phenotype or family history is highly specific for a disease with a single genetic etiology.

Literature cited by the submitters: PubMed 7702630 (cited by Labcorp Genetics (formerly Invitae), Labcorp).

NM_000298.6(PKLR):c.1468C>T (p.Arg490Trp)

Gene: PKLR (pyruvate kinase L/R; minus strand). Cytogenetic location: 1q22.
Variant type: single nucleotide variant.
Coding change: c.1468C>T on transcript NM_000298.6 (MANE Select); coding-DNA position 1468, C replaced by T.
Protein change: p.Arg490Trp; replaces arginine 490 with tryptophan.
Molecular consequence: missense variant.
Genome position (GRCh38, 1-based): chr1:155,291,906, G>A on the plus strand (C>T on the coding strand, the complement: PKLR is on the minus strand). VCF-style: chr1-155291906-G-A. GRCh37 (hg19) VCF-style: chr1-155261697-G-A.
Other names: c.1375C>T, p.Arg459Trp (NM_181871.4); c.1468C>T, p.Arg490Trp (LRG_1136t1); short protein forms R490W, R459W.
Identifiers: ClinVar variation 292806 (VCV000292806.23), dbSNP rs200133000, ClinGen allele CA1143989.